The following is an entry in ClinVar:

ClinVar aggregate classification (germline): Uncertain significance (1 of 4 stars; one submission).

Conditions:
Inborn genetic diseases. Identifiers: MedGen C0950123, MeSH D030342.

gnomAD v4.1: 3 of 1,613,112 alleles (0.00019%); highest among the groups gnomAD compares: Non-Finnish European, 0.00025%; no homozygotes.

Submission:

Ambry Genetics
Classification: Uncertain significance for Inborn genetic diseases. Last evaluated: 2025-03-14. Review status: criteria provided, single submitter. Criteria: Ambry Variant Classification Scheme 2023. Collection method: clinical testing. Allele origin: germline.
Comment: The p.K810R variant (also known as c.2429A>G), located in coding exon 19 of the BUB1B gene, results from an A to G substitution at nucleotide position 2429. The lysine at codon 810 is replaced by arginine, an amino acid with highly similar properties. This amino acid position is conserved. In addition, this alteration is predicted to be tolerated by in silico analysis. Based on the available evidence, the clinical significance of this variant remains unclear.

NM_001211.6(BUB1B):c.2429A>G (p.Lys810Arg)

Gene: BUB1B (BUB1 mitotic checkpoint serine/threonine kinase B; plus strand). Cytogenetic location: 15q15.1.
Variant type: single nucleotide variant.
Coding change: c.2429A>G on transcript NM_001211.6 (MANE Select); coding-DNA position 2429, A replaced by G.
Protein change: p.Lys810Arg; replaces lysine 810 with arginine.
Molecular consequence: missense variant.
Genome position (GRCh38, 1-based): chr15:40,212,542, A>G. VCF-style: chr15-40212542-A-G. GRCh37 (hg19) VCF-style: chr15-40504743-A-G.
Other names: short protein forms K810R.
Identifiers: ClinVar variation 3826066 (VCV003826066.1).